The following is an entry in ClinVar:

NM_014244.5(ADAMTS2):c.2184G>A (p.Thr728=)

Gene: ADAMTS2 (ADAM metallopeptidase with thrombospondin type 1 motif 2; minus strand). Cytogenetic location: 5q35.3.
Variant type: single nucleotide variant.
Coding change: c.2184G>A on transcript NM_014244.5 (MANE Select); coding-DNA position 2184, G replaced by A.
Protein change: p.Thr728=; no amino-acid change (threonine 728 retained).
Molecular consequence: synonymous variant.
Genome position (GRCh38, 1-based): chr5:179,132,802, C>T on the plus strand (G>A on the coding strand, the complement: ADAMTS2 is on the minus strand). VCF-style: chr5-179132802-C-T. GRCh37 (hg19) VCF-style: chr5-178559803-C-T.
Other names: p.Thr728=.
Identifiers: ClinVar variation 1099417 (VCV001099417.11), dbSNP rs770111550, ClinGen allele CA3595644.
Genomic context (GRCh38, chr5:179,132,802, plus strand): 5'-CCAGGCTCCAGGGTGGAGAGCAGGGACCCACTCACCATGCTTCTTGGGTGACCGTGTGAA[C>T]GTGCCCTTGACCACTTTGCAGTGGCTGTTGTCCCCTCCGCACACGCCACACTTGTCTTCC-3'
Protein context (NP_055059.2, residues 718-738): DNSHCKVVKG[Thr728=]FTRSPKKHGY

ClinVar aggregate classification (germline): Likely benign. Review status: criteria provided, multiple submitters, no conflicts (2 of 4 stars). 3 submissions from 3 submitters: Likely benign (3). Last evaluated 2026-03-25.

Conditions:
Ehlers-Danlos syndrome, dermatosparaxis type. Also called: EDS VIIC; Dermatosparaxis; Ehlers-Danlos syndrome, type VII, autosomal recessive. Identifiers: Orphanet 1901, MedGen C2700425, MONDO:0009161, OMIM 225410.

Allele frequency attached by ClinVar (database versions not stated): gnomAD exomes 0.00001 and 0.00002; ExAC 0.00002.
gnomAD v4.1: 16 of 1,614,128 alleles (0.00099%); highest among the groups gnomAD compares: Admixed American, 0.0033%; no homozygotes.

Submissions (3):

Women's Health and Genetics/Laboratory Corporation of America, LabCorp
Classification: Likely benign. Last evaluated: 2026-03-25. Review status: criteria provided, single submitter. Criteria: LabCorp Variant Classification Summary - May 2015. Collection method: clinical testing. Allele origin: germline.

Mayo Clinic Laboratories, Mayo Clinic
Classification: Likely benign. Last evaluated: 2025-10-06. Review status: criteria provided, single submitter. Criteria: ACMG Guidelines, 2015. Collection method: clinical testing. Allele origin: germline. Observed: 1 variant allele.
Comment: BP4, BP7

Labcorp Genetics (formerly Invitae), Labcorp
Classification: Likely benign for Ehlers-Danlos syndrome, dermatosparaxis type. Last evaluated: 2024-03-20. Review status: criteria provided, single submitter. Criteria: Invitae Variant Classification Sherloc (09022015). Collection method: clinical testing. Allele origin: germline.